The following is an entry in ClinVar:

ClinVar aggregate classification (germline): Conflicting classifications of pathogenicity. Review status: criteria provided, conflicting classifications (1 of 4 stars). 3 submissions from 3 submitters: Likely pathogenic (1); Uncertain significance (1). 1 of the submissions does not count toward it. Last evaluated 2023-08-25.

Conditions:
Fetal akinesia deformation sequence 1 (FADS1). Also called: Fetal akinesia sequence; Pena-Shokeir syndrome type I. Identifiers: Orphanet 994, MedGen C1276035, MONDO:0100101, OMIM 208150, HP:0001989.
Congenital myasthenic syndrome 9. Also called: Myasthenic syndrome, congenital, 9, associated with acetylcholine receptor deficiency. Identifiers: Orphanet 590, MedGen C4225368, MONDO:0014587, OMIM 616325.

Allele frequency attached by ClinVar (database versions not stated): gnomAD exomes below 0.00001; ExAC 0.00001.
gnomAD v4.1: 1 of 1,613,926 alleles (0.000062%); highest among the groups gnomAD compares: Non-Finnish European, 0.000085%; no homozygotes.

Submissions (3):

Mayo Clinic Laboratories, Mayo Clinic
Classification: Likely pathogenic. Last evaluated: 2023-08-25. Review status: criteria provided, single submitter. Criteria: ACMG Guidelines, 2015. Collection method: clinical testing. Allele origin: germline. Observed: 1 variant allele.
Comment: PM2_moderate, PM3, PS3_moderate

Labcorp Genetics (formerly Invitae), Labcorp
Classification: Uncertain significance for Congenital myasthenic syndrome 9; Fetal akinesia deformation sequence 1. Last evaluated: 2022-05-27. Review status: criteria provided, single submitter. Criteria: Invitae Variant Classification Sherloc (09022015). Collection method: clinical testing. Allele origin: germline.
Comment: In summary, the available evidence is currently insufficient to determine the role of this variant in disease. Therefore, it has been classified as a Variant of Uncertain Significance. Algorithms developed to predict the effect of sequence changes on RNA splicing suggest that this variant may disrupt the consensus splice site. Experimental studies have shown that this missense change affects MUSK function (PMID: 20371544). Advanced modeling of protein sequence and biophysical properties (such as structural, functional, and spatial information, amino acid conservation, physicochemical variation, residue mobility, and thermodynamic stability) performed at Invitae indicates that this missense variant is not expected to disrupt MUSK protein function. ClinVar contains an entry for this variant (Variation ID: 60521). This missense change has been observed in individual(s) with congenital myasthenic syndrome (PMID: 20371544). This variant is present in population databases (rs766640370, gnomAD 0.0009%). This sequence change replaces methionine, which is neutral and non-polar, with isoleucine, which is neutral and non-polar, at codon 605 of the MUSK protein (p.Met605Ile).

OMIM
Classification: Pathogenic for MYASTHENIC SYNDROME, CONGENITAL, 9, ASSOCIATED WITH ACETYLCHOLINE RECEPTOR DEFICIENCY. Last evaluated: 2010-06-15. Review status: no assertion criteria provided. Collection method: literature only. Allele origin: germline. Not counted in ClinVar's aggregate classification.

Literature cited by the submitters: PubMed 20371544 (cited by 3 submitters); PubMed 23326516 (cited by Mayo Clinic Laboratories, Mayo Clinic); PubMed 24183479 (cited by Mayo Clinic Laboratories, Mayo Clinic); PubMed 25537362 (cited by Mayo Clinic Laboratories, Mayo Clinic); PubMed 25562515 (cited by Mayo Clinic Laboratories, Mayo Clinic); PubMed 27544236 (cited by Mayo Clinic Laboratories, Mayo Clinic); PubMed 27588369 (cited by Mayo Clinic Laboratories, Mayo Clinic); PubMed 29704306 (cited by Mayo Clinic Laboratories, Mayo Clinic); PubMed 30719842 (cited by Mayo Clinic Laboratories, Mayo Clinic).

NM_005592.4(MUSK):c.1815G>A (p.Met605Ile)

Gene: MUSK (muscle associated receptor tyrosine kinase; plus strand). Cytogenetic location: 9q31.3.
Variant type: single nucleotide variant.
Coding change: c.1815G>A on transcript NM_005592.4 (MANE Select); coding-DNA position 1815, G replaced by A.
Protein change: p.Met605Ile; replaces methionine 605 with isoleucine.
Molecular consequence: missense variant.
Genome position (GRCh38, 1-based): chr9:110,787,726, G>A. VCF-style: chr9-110787726-G-A. GRCh37 (hg19) VCF-style: chr9-113550006-G-A.
Other names: p.Met605Ile; c.1557G>A, p.Met519Ile (NM_001166280.2); c.1527G>A, p.Met509Ile (NM_001166281.2); c.555G>A, p.Met185Ile (NM_001369398.1); short protein forms M605I, M509I, M185I, M519I.
Identifiers: ClinVar variation 60521 (VCV000060521.8), dbSNP rs766640370, ClinGen allele CA5184484.